The following is an entry in ClinVar:

ClinVar aggregate classification (germline): Pathogenic. Review status: practice guideline (4 of 4 stars). 24 submissions from 23 submitters: Pathogenic (1). 23 of the submissions do not count toward it. Last evaluated 2004-03-03.

Conditions:
CFTR-related disorder (CFTR-RD). Also called: CFTR-related disorders; CFTR-related condition. Identifiers: MedGen C5924204, MONDO:7770004.
Congenital bilateral aplasia of vas deferens from CFTR mutation (CBAVD). Identifiers: Orphanet 48, MedGen C0403814, MONDO:0010178, OMIM 277180. Disease mechanism: loss of function.
Cystic fibrosis (CF). Also called: MUCOVISCIDOSIS. Identifiers: Orphanet 586, MedGen C0010674, MONDO:0009061, OMIM 219700. Disease mechanism: loss of function.
Hereditary pancreatitis (PCTT). Also called: Hereditary chronic pancreatitis; PRSS1-Related Hereditary Pancreatitis. Identifiers: Orphanet 676, MedGen C0238339, MONDO:0008185, OMIM 167800.
Bronchiectasis with or without elevated sweat chloride 1 (BESC1). Also called: Cystic Fibrosis-Like Syndrome. Identifiers: Orphanet 60033, MedGen C2749757, MONDO:0008887, OMIM 211400.

Allele frequency attached by ClinVar (database versions not stated): ExAC 0.00002; gnomAD 0.00003 and 0.00004; TOPMed 0.00003; ESP Exome Variant Server 0.00031.
gnomAD v4.1: 166 of 1,600,060 alleles (0.01%); highest among the groups gnomAD compares: Non-Finnish European, 0.014%; no homozygotes.

Submissions 1 to 11 of 24:

American College of Medical Genetics and Genomics  (ACMG)
Classification: Pathogenic for Cystic fibrosis. Last evaluated: 2004-03-03. Review status: practice guideline. Criteria: Guideline for cystic fibrosis carrier screening. Collection method: curation. Allele origin: germline. Inheritance: Autosomal recessive inheritance. Study: The ACMG recommended carrier screening panel.
ClinVar note: Converted during submission from pathogenic to Pathogenic.

CFTR2
Classification: Pathogenic for Cystic fibrosis. Last evaluated: 2017-03-17. Review status: reviewed by expert panel. Criteria: Sosnay PR et al. (Nat Genet 2013). Collection method: research. Allele origin: germline. Affected: yes. Study: CFTR2. Not counted in ClinVar's aggregate classification.

Labcorp Genetics (formerly Invitae), Labcorp
Classification: Pathogenic for Cystic fibrosis. Last evaluated: 2026-01-02. Review status: criteria provided, single submitter. Criteria: Invitae Variant Classification Sherloc (09022015). Collection method: clinical testing. Allele origin: germline. Not counted in ClinVar's aggregate classification.
Comment: This sequence change affects a donor splice site in intron 13 of the CFTR gene. RNA analysis indicates that disruption of this splice site induces altered splicing and likely results in a shortened protein product. This variant is present in population databases (rs121908748, gnomAD 0.007%). Disruption of this splice site has been observed in individuals with cystic fibrosis (PMID: 1284540, 18456578, 22658665, 23974870). This variant is also known as 1898+1G>A. ClinVar contains an entry for this variant (Variation ID: 7168). Studies have shown that disruption of this splice site results in skipping of exon 13 (also known as exon 12), but is expected to preserve the integrity of the reading-frame (PMID: 1284540). For these reasons, this variant has been classified as Pathogenic.

Natera, Inc.
Classification: Pathogenic for CFTR-related disorders. Last evaluated: 2025-11-17. Review status: criteria provided, single submitter. Criteria: Natera Variant Classification Schema (03/2026). Collection method: clinical testing. Allele origin: germline. Not counted in ClinVar's aggregate classification.
Comment: The c.1766+1G>A variant in CFTR is a canonical splice donor site variant predicted to affect pre-mRNA splicing, which may result in an abnormal transcript and altered protein product. This variant is expected to result in nonsense mediated decay, truncation, or a dysfunctional protein product. This variant is rare in the general population with a frequency below the threshold expected for the associated phenotype(s). This variant has been observed in one or more individuals affected with the associated recessive disease, as either homozygous or compound heterozygous with a second variant (PMID: 1284540). Functional studies show that this variant may disrupt protein function (PMID: 1284540). Given the available evidence, this variant is classified as Pathogenic.

PreventionGenetics, part of Exact Sciences
Classification: Pathogenic for CFTR-related condition. Last evaluated: 2025-08-13. Review status: criteria provided, single submitter. Criteria: ACMG Guidelines, 2015. Collection method: clinical testing. Allele origin: germline. Not counted in ClinVar's aggregate classification.
Comment: The CFTR c.1766+1G>A variant is predicted to disrupt the GT donor site and interfere with normal splicing. This variant, also referred to as c.1898+1G>A using legacy nomenclature, has been reported in the compound heterozygous state in patients with cystic fibrosis (Strong et al. 1992. PubMed ID: 1284540; Castellani et al. 2008. PubMed ID: 18456578). RNA analysis from patient nasal epithelium indicated that this variant results in skipping of exon 12 (Strong et al. 1992. PubMed ID: 1284540). This variant is reported in 0.0070% of alleles in individuals of European (non-Finnish) descent in gnomAD. In summary, the c.1766+1G>A variant is categorized as pathogenic.

Victorian Clinical Genetics Services, Murdoch Childrens Research Institute
Classification: Pathogenic for Cystic fibrosis. Last evaluated: 2024-11-12. Review status: criteria provided, single submitter. Criteria: ACMG Guidelines, 2015. Collection method: clinical testing. Allele origin: germline. Affected: no. Not counted in ClinVar's aggregate classification.
Comment: This variant is classified as Pathogenic. Evidence in support of pathogenic classification: Splice site variant proven to affect splicing of the transcript with uncertain effect on protein sequence. RT-PCR studies show this variant results in skipping of exon 13 but is expected to preserve the integrity of the reading-frame (PMID: 1284540); Variant is present in gnomAD <0.01 for a recessive condition (v4: 166 heterozygote(s), 0 homozygote(s)); This variant has strong previous evidence of pathogenicity in unrelated individuals. This variant is classified as pathogenic by an expert panel in ClinVar and is considered CF-causing by CFTR2. Additional information: This variant is heterozygous; This gene is associated with autosomal recessive disease; Multiple alternative nucleotide changes at the same canonical splice site are observed in gnomAD (v4; highest allele count: 2 heterozygote(s), 0 homozygote(s)); No published segregation evidence has been identified for this variant; No published functional evidence has been identified for this variant; Loss of function is a known mechanism of disease in this gene and is associated with cystic fibrosis (CF) (MIM#219700).

Blueprint Genetics
Classification: Pathogenic for CFTR-related disorders. Last evaluated: 2024-09-13. Review status: criteria provided, single submitter. Criteria: ACMG Guidelines, 2015. Collection method: clinical testing. Allele origin: germline. Affected: yes. Observed: 5 variant alleles. Not counted in ClinVar's aggregate classification.

ARUP Laboratories, Molecular Genetics and Genomics, ARUP Laboratories
Classification: Pathogenic for Cystic fibrosis. Last evaluated: 2024-05-20. Review status: criteria provided, single submitter. Criteria: ARUP Molecular Germline Variant Investigation Process 2024. Collection method: clinical testing. Allele origin: germline. Not counted in ClinVar's aggregate classification.
Comment: The CFTR c.1766+1G>A variant (rs121908748), also known as 1898+1G>A, is reported in the literature in multiple individuals affected with pancreatic insufficient cystic fibrosis (Sosnay 2013, Strong 1992). This variant is reported as pathogenic by multiple laboratories in ClinVar (Variation ID: 7168) and is absent from the Genome Aggregation Database (v2.1.1), indicating it is not a common polymorphism. This variant disrupts the canonical splice donor site of intron 12, which is likely to negatively impact gene function. Based on available information, this variant is considered to be pathogenic. References: Sosnay PR et al. Defining the disease liability of variants in the cystic fibrosis transmembrane conductance regulator gene. Nat Genet. 2013 Oct;45(10):1160-7. PMID: 23974870 Strong TV et al. Characterization of an intron 12 splice donor mutation in the cystic fibrosis transmembrane conductance regulator (CFTR) gene. Hum Mutat. 1992;1(5):380-7. PMID: 1284540

Baylor Genetics
Classification: Pathogenic for Bronchiectasis with or without elevated sweat chloride 1. Last evaluated: 2024-03-15. Review status: criteria provided, single submitter. Criteria: ACMG Guidelines, 2015. Collection method: clinical testing. Allele origin: unknown. Not counted in ClinVar's aggregate classification.

Fulgent Genetics
Classification: Pathogenic for Hereditary pancreatitis; Bronchiectasis with or without elevated sweat chloride 1; Cystic fibrosis; Congenital bilateral aplasia of vas deferens from CFTR mutation. Last evaluated: 2024-02-07. Review status: criteria provided, single submitter. Criteria: ACMG Guidelines, 2015. Collection method: clinical testing. Allele origin: germline. Not counted in ClinVar's aggregate classification.

Quest Diagnostics Nichols Institute San Juan Capistrano
Classification: Pathogenic. Last evaluated: 2023-07-21. Review status: criteria provided, single submitter. Criteria: Quest Diagnostics criteria. Collection method: clinical testing. Allele origin: unknown. Not counted in ClinVar's aggregate classification.
Comment: The CFTR c.1766+1G>A variant disrupts a canonical splice-donor site and interferes with normal CFTR mRNA splicing. This variant has been shown to maintain the translation reading frame of the CFTR mRNA; however, skipping of exon 13 (also known as exon 12) removes a portion of the gene important for its function (PMID: 1284540 (1992)). In the published literature, this variant has been reported in individuals with Cystic Fibrosis (PMID: 1284540 (1992), 23974870 (2013), 23276700 (2013), 26708955 (2016), 28544683 (2017), and 32429104 (2020)). The variant is described in online databases as being pathogenic and CF-causing (CFTR2). The frequency of this variant in the general population, 0.00016 (8/50402 chromosomes (Genome Aggregation Database)), is uninformative in the assessment of its pathogenicity. Based on the available information, this variant is classified as pathogenic.

NM_000492.4(CFTR):c.1766+1G>A

Gene: CFTR (CF transmembrane conductance regulator; plus strand). Cytogenetic location: 7q31.2.
Variant type: single nucleotide variant.
Coding change: c.1766+1G>A on transcript NM_000492.4 (MANE Select); the canonical splice donor site of the intron after coding-DNA position 1766, G replaced by A.
Molecular consequence: splice donor variant.
Genome position (GRCh38, 1-based): chr7:117,590,440, G>A. VCF-style: chr7-117590440-G-A. GRCh37 (hg19) VCF-style: chr7-117230494-G-A.
Other names: 1898+1G>A; 1898+1G->A; IVS12, G-A, +1.
Identifiers: ClinVar variation 7168 (VCV000007168.100), dbSNP rs121908748, ClinGen allele CA340648.